The following is an entry in ClinVar:

NM_000540.3(RYR1):c.463C>A (p.Gln155Lys)

Gene: RYR1 (ryanodine receptor 1; plus strand). Cytogenetic location: 19q13.2.
Variant type: single nucleotide variant.
Coding change: c.463C>A on transcript NM_000540.3 (MANE Select); coding-DNA position 463, C replaced by A.
Protein change: p.Gln155Lys; replaces glutamine 155 with lysine.
Molecular consequence: missense variant.
Genome position (GRCh38, 1-based): chr19:38,444,187, C>A. VCF-style: chr19-38444187-C-A. GRCh37 (hg19) VCF-style: chr19-38934827-C-A.
Other names: NM_000540.2(RYR1):c.463C>A; p.Gln155Lys; c.463C>A, p.Gln155Lys (NM_001042723.2); short protein forms Q155K.
Identifiers: ClinVar variation 133132 (VCV000133132.4), dbSNP rs193922750, ClinGen allele CA024451.

ClinVar aggregate classification (germline): Likely pathogenic. Review status: reviewed by expert panel (3 of 4 stars). 2 submissions from 2 submitters: Likely pathogenic (1). 1 of the submissions does not count toward it. Last evaluated 2025-08-01.

Conditions:
Malignant hyperthermia, susceptibility to, 1 (MHS1). Also called: RYR1-Related Malignant Hyperthermia Susceptibility; Malignant hyperthermia suceptibility 1; Anesthesia related hyperthermia; Malignant hyperpyrexia; Fulminating hyperpyrexia; Pharmacogenic myopathy. Identifiers: Orphanet 423, MedGen C2930980, MONDO:0007783, OMIM 145600.

Submissions (2):

ClinGen Malignant Hyperthermia Susceptibility Variant Curation Expert Panel, ClinGen
Classification: Likely pathogenic for Malignant hyperthermia, susceptibility to, 1. Last evaluated: 2025-08-01. Review status: reviewed by expert panel. Criteria: ClinGen MHS ACMG Specifications V2. Collection method: curation. Allele origin: germline. Inheritance: Autosomal dominant inheritance. Study: ClinGen.
Comment: This pathogenicity assessment is relevant only for malignant hyperthermia susceptibility (MHS) inherited in an autosomal dominant pattern. Variants in RYR1 can also cause other myopathies inherited in an autosomal dominant pattern or in an autosomal recessive pattern. Some of these disorders may predispose individuals to malignant hyperthermia. RYR1 variants may also contribute to a malignant hyperthermia reaction in combination with other genetic and non-genetic factors and the clinician needs to consider such factors in making management decisions. This sequence variant predicts a substitution of glutamine with lysine at codon 155 of the RYR1 protein, p.(Gln155Lys). This variant was not present in a large population database (gnomAD) at the time this variant was interpreted. This variant has been reported in two individuals without sufficient details to determine if there was a personal or family history of an MH episode and a positive in vitro contracture test (IVCT) or caffeine halothane contracture test (CHCT) result, PS4 was not implemented, (PMID:16732084). Functional studies in HEK293 cells show an increased sensitivity to RYR1 agonists, PS3_Moderate (PMID:31841587). This variant resides in a region of RYR1 considered to be a hotspot for pathogenic variants that contribute to MHS, PM1 (PMID: 21118704). A REVEL score >0.85 (0.886) supports a pathogenic status for this variant, PP3_Moderate. This variant has been classified as Likely Pathogenic. Criteria implemented: PS3_Moderate, PM1, PP3_Moderate.

RYR1 database
No classification provided. Review status: no classification provided. Collection method: not provided. Allele origin: unknown. Not counted in ClinVar's aggregate classification.